The following is an entry in ClinVar:

ClinVar aggregate classification (germline): Uncertain significance (0 of 4 stars; one submission).

Conditions:
Bartter syndrome. Identifiers: Orphanet 112, MedGen C0004775, MONDO:0015231.
Familial hypokalemia-hypomagnesemia (GTLMNS). Also called: POTASSIUM AND MAGNESIUM DEPLETION; HYPOMAGNESEMIA-HYPOKALEMIA, PRIMARY RENOTUBULAR, WITH HYPOCALCIURIA; gitelman syndrome. Identifiers: Orphanet 358, MedGen C0268450, MONDO:0009904, OMIM 263800.

gnomAD v4.1: 1 of 1,613,244 alleles (0.000062%); no homozygotes.

Submission:

Sydney Genome Diagnostics, Children's Hospital Westmead
Classification: Uncertain significance for Familial hypokalemia-hypomagnesemia; Bartter syndrome. Last evaluated: 2018-05-29. Review status: no assertion criteria provided. Collection method: clinical testing. Allele origin: unknown. Affected: yes. Observed: 1 variant allele, 1 compound heterozygote.
Comment: To our knowledge, this variant has not been previously reported to be a disease causing variant and it has not been reported in the ExAC allele frequency database. In silico analysis (Alamut Visual v2.8) using PolyPhen2, SIFT and MutationTaster all predict that this variant is likely to be disease causing. However, this analysis alone cannot be used to confirm pathogenicity. This variant is considered to be a variant of uncertain clinical significance (VOUS) according to the ACMG guidelines.

NM_001126108.2(SLC12A3):c.2207A>T (p.Asn736Ile)

Gene: SLC12A3 (solute carrier family 12 member 3; plus strand). Cytogenetic location: 16q13.
Variant type: single nucleotide variant.
Coding change: c.2207A>T on transcript NM_001126108.2 (MANE Select); coding-DNA position 2207, A replaced by T.
Protein change: p.Asn736Ile; replaces asparagine 736 with isoleucine.
Molecular consequence: missense variant.
Genome position (GRCh38, 1-based): chr16:56,887,953, A>T. VCF-style: chr16-56887953-A-T. GRCh37 (hg19) VCF-style: chr16-56921865-A-T.
Other names: c.2207A>T, p.Asn736Ile (NM_000339.3); c.2204A>T, p.Asn735Ile (NM_001126107.2); short protein forms N735I, N736I.
Identifiers: ClinVar variation 988171 (VCV000988171.1), dbSNP rs1424832490, ClinGen allele CA395994647.
Genomic context (GRCh38, chr16:56,887,953, plus strand): 5'-GGGTTCCCCATCTCACCCCTATCCCCTGGCAGGCCGCAGGTCTCGGGAGAATGAAGCCCA[A>T]CATTCTGGTGGTTGGGTTCAAGAAGAACTGGCAGTCGGCTCACCCGGCCACAGTGGAAGA-3'
Protein context (NP_001119580.2, residues 726-746): QAAGLGRMKP[Asn736Ile]ILVVGFKKNW